The following is an entry in ClinVar:

NM_000179.3(MSH6):c.3589A>G (p.Thr1197Ala)

Gene: MSH6 (mutS homolog 6; plus strand). Cytogenetic location: 2p16.3.
Variant type: single nucleotide variant.
Coding change: c.3589A>G on transcript NM_000179.3 (MANE Select); coding-DNA position 3589, A replaced by G.
Protein change: p.Thr1197Ala; replaces threonine 1197 with alanine.
Molecular consequence: missense variant. On other transcripts: non-coding transcript variant (5).
Genome position (GRCh38, 1-based): chr2:47,805,650, A>G. VCF-style: chr2-47805650-A-G. GRCh37 (hg19) VCF-style: chr2-48032789-A-G.
Other names: c.2023A>G, p.Thr675Ala (NM_001406817.1); c.3292A>G, p.Thr1098Ala (NM_001406818.1, NM_001406819.1, NM_001406820.1 and 10 more transcripts); c.2683A>G, p.Thr895Ala (NM_001406823.1, NM_001406829.1, NM_001281493.2 and 6 more transcripts); c.3421A>G, p.Thr1141Ala (NM_001406826.1); c.370A>G, p.Thr124Ala (NM_001406831.1); c.436A>G, p.Thr146Ala (NM_001406832.1); c.1534A>G, p.Thr512Ala (NM_001407362.1); c.3199A>G, p.Thr1067Ala (NM_001281492.2); and 7 more; short protein forms T1022A, T1067A, T1098A, T1139A, T1141A, T1171A, T1197A, T1199A.
Identifiers: ClinVar variation 2575379 (VCV002575379.3), dbSNP rs531169741, ClinGen allele CA071439.
Genomic context (GRCh38, chr2:47,805,650, plus strand): 5'-ATTCATTTGTGATTTTTTTTTTTTTAAGGTGAAAGTACATTTTTTGTTGAATTAAGTGAA[A>G]CTGCCAGCATACTCATGCATGCAACAGCACATTCTCTGGTGCTTGTGGATGAATTAGGTA-3'
Protein context (NP_000170.1, residues 1187-1207): ESTFFVELSE[Thr1197Ala]ASILMHATAH

ClinVar aggregate classification (germline): Uncertain significance. Review status: criteria provided, multiple submitters, no conflicts (2 of 4 stars). 2 submissions from 2 submitters: Uncertain significance (2). Last evaluated 2026-09-08.

Conditions:
Hereditary cancer-predisposing syndrome. Also called: Hereditary neoplastic syndrome; Hereditary Cancer Syndrome; Neoplastic Syndromes, Hereditary; Tumor predisposition. Identifiers: Orphanet 140162, MedGen C0027672, MeSH D009386, MONDO:0015356.

Allele frequency attached by ClinVar (database versions not stated): ExAC 0.00001; gnomAD 0.00001; 1000 Genomes Project 30x 0.00016; 1000 Genomes Project 0.00020.
gnomAD v4.1: 1 of 1,613,858 alleles (0.000062%); highest among the groups gnomAD compares: African/African-American, 0.0013%; no homozygotes.

Submissions (2):

Ambry Genetics
Classification: Uncertain significance for Hereditary cancer-predisposing syndrome. Last evaluated: 2026-09-08. Review status: criteria provided, single submitter. Criteria: Ambry Variant Classification Scheme 2023. Collection method: clinical testing. Allele origin: germline.
Comment: The p.T1197A variant (also known as c.3589A>G), located in coding exon 7 of the MSH6 gene, results from an A to G substitution at nucleotide position 3589. The threonine at codon 1197 is replaced by alanine, an amino acid with similar properties. This amino acid position is conserved. In addition, this alteration is predicted to be deleterious by in silico analysis. Based on the available evidence, the clinical significance of this variant remains unclear.

Center for Genomic Medicine, Rigshospitalet, Copenhagen University Hospital
Classification: Uncertain significance. Last evaluated: 2025-03-04. Review status: criteria provided, single submitter. Criteria: ACMG Guidelines, 2015. Collection method: clinical testing. Allele origin: germline.